The following is an entry in ClinVar:

NM_032043.3(BRIP1):c.2428C>T (p.Leu810Phe)

Gene: BRIP1 (BRCA1 interacting DNA helicase 1; minus strand). Cytogenetic location: 17q23.2.
Variant type: single nucleotide variant.
Coding change: c.2428C>T on transcript NM_032043.3 (MANE Select); coding-DNA position 2428, C replaced by T.
Protein change: p.Leu810Phe; replaces leucine 810 with phenylalanine.
Molecular consequence: missense variant.
Genome position (GRCh38, 1-based): chr17:61,716,015, G>A on the plus strand (C>T on the coding strand, the complement: BRIP1 is on the minus strand). VCF-style: chr17-61716015-G-A. GRCh37 (hg19) VCF-style: chr17-59793376-G-A.
Other names: short protein forms L810F.
Identifiers: ClinVar variation 2564593 (VCV002564593.2), dbSNP rs587780238, ClinGen allele CA400479653.

ClinVar aggregate classification (germline): Uncertain significance (1 of 4 stars; one submission).

Conditions:
Hereditary cancer-predisposing syndrome. Also called: Neoplastic Syndromes, Hereditary; Hereditary Cancer Syndrome; Hereditary neoplastic syndrome; Tumor predisposition. Identifiers: Orphanet 140162, MedGen C0027672, MeSH D009386, MONDO:0015356.

Submission:

Ambry Genetics
Classification: Uncertain significance for Hereditary cancer-predisposing syndrome. Last evaluated: 2023-04-22. Review status: criteria provided, single submitter. Criteria: Ambry Variant Classification Scheme 2023. Collection method: clinical testing. Allele origin: germline.
Comment: The p.L810F variant (also known as c.2428C>T), located in coding exon 16 of the BRIP1 gene, results from a C to T substitution at nucleotide position 2428. The leucine at codon 810 is replaced by phenylalanine, an amino acid with highly similar properties. This amino acid position is conserved. In addition, the in silico prediction for this alteration is inconclusive. Since supporting evidence is limited at this time, the clinical significance of this alteration remains unclear.